The following is an entry in ClinVar:

ClinVar aggregate classification (germline): Conflicting classifications of pathogenicity. Review status: criteria provided, conflicting classifications (1 of 4 stars). 2 submissions from 2 submitters: Uncertain significance (1); Likely benign (1). Last evaluated 2026-03-24.

Conditions:
PMP22-related disorder. Also called: PMP22-related condition; PMP22-related disorders.

Submissions (2):

PreventionGenetics, part of Exact Sciences
Classification: Likely benign for PMP22-related condition. Last evaluated: 2026-03-24. Review status: criteria provided, single submitter. Criteria: ACMG Guidelines, 2015. Collection method: clinical testing. Allele origin: germline.
Comment: This variant is classified as likely benign based on ACMG/AMP sequence variant interpretation guidelines (Richards et al. 2015 PMID: 25741868, with internal and published modifications).

CeGaT Center for Human Genetics Tuebingen
Classification: Uncertain significance. Last evaluated: 2026-03-01. Review status: criteria provided, single submitter. Criteria: CeGaT Center For Human Genetics Tuebingen Variant Classification Criteria Version 2. Collection method: clinical testing. Allele origin: germline. Affected: yes. Observed: 1 variant allele.
Comment: PMP22: PM2:Supporting

NM_000304.4(PMP22):c.264C>T (p.Phe88=)

Gene: PMP22 (peripheral myelin protein 22; minus strand). Cytogenetic location: 17p12.
Variant type: single nucleotide variant.
Coding change: c.264C>T on transcript NM_000304.4 (MANE Select); coding-DNA position 264, C replaced by T.
Protein change: p.Phe88=; no amino-acid change (phenylalanine 88 retained).
Molecular consequence: synonymous variant. On other transcripts: non-coding transcript variant (2).
Genome position (GRCh38, 1-based): chr17:15,239,526, G>A on the plus strand (C>T on the coding strand, the complement: PMP22 is on the minus strand). VCF-style: chr17-15239526-G-A. GRCh37 (hg19) VCF-style: chr17-15142843-G-A.
Other names: c.264C>T (NM_000304.3); c.264C>T, p.Phe88= (NM_001281455.2, NM_001281456.2, NM_001330143.2 and 2 more transcripts).
Identifiers: ClinVar variation 4823776 (VCV004823776.5).